The following is an entry in ClinVar:

ClinVar aggregate classification (germline): Likely benign. Review status: criteria provided, multiple submitters, no conflicts (2 of 4 stars). 3 submissions from 3 submitters: Likely benign (3). Last evaluated 2024-09-01.

Conditions:
Inborn genetic diseases. Identifiers: MedGen C0950123, MeSH D030342.

Allele frequency attached by ClinVar (database versions not stated): gnomAD 0.00007; ESP Exome Variant Server 0.00008; TOPMed 0.00008.
gnomAD v4.1: 266 of 1,614,070 alleles (0.016%); highest among the groups gnomAD compares: Non-Finnish European, 0.022%; no homozygotes.

Submissions (3):

CeGaT Center for Human Genetics Tuebingen
Classification: Likely benign. Last evaluated: 2024-09-01. Review status: criteria provided, single submitter. Criteria: CeGaT Center For Human Genetics Tuebingen Variant Classification Criteria Version 2. Collection method: clinical testing. Allele origin: germline. Affected: yes. Observed: 1 variant allele.
Comment: KMT2C: BP4

Labcorp Genetics (formerly Invitae), Labcorp
Classification: Likely benign. Last evaluated: 2023-06-04. Review status: criteria provided, single submitter. Criteria: Invitae Variant Classification Sherloc (09022015). Collection method: clinical testing. Allele origin: germline.

Ambry Genetics
Classification: Likely benign for Inborn genetic diseases. Last evaluated: 2021-12-20. Review status: criteria provided, single submitter. Criteria: Ambry Variant Classification Scheme 2023. Collection method: clinical testing. Allele origin: germline.

NM_170606.3(KMT2C):c.12430C>G (p.Leu4144Val)

Gene: KMT2C (lysine methyltransferase 2C; minus strand). Cytogenetic location: 7q36.1.
Variant type: single nucleotide variant.
Coding change: c.12430C>G on transcript NM_170606.3 (MANE Select); coding-DNA position 12430, C replaced by G.
Protein change: p.Leu4144Val; replaces leucine 4144 with valine.
Molecular consequence: missense variant.
Genome position (GRCh38, 1-based): chr7:152,152,801, G>C on the plus strand (C>G on the coding strand, the complement: KMT2C is on the minus strand). VCF-style: chr7-152152801-G-C. GRCh37 (hg19) VCF-style: chr7-151849886-G-C.
Other names: short protein forms L4144V.
Identifiers: ClinVar variation 2268333 (VCV002268333.19), dbSNP rs148110224, ClinGen allele CA4578806.